The following is an entry in ClinVar:

NM_020921.4(NIN):c.134T>C (p.Val45Ala)

Genes: NIN (ninein; minus strand), LOC105370489 (uncharacterized LOC105370489; plus strand). Cytogenetic location: 14q22.1.
Variant type: single nucleotide variant.
Coding change: c.134T>C on transcript NM_020921.4 (MANE Select); coding-DNA position 134, T replaced by C.
Protein change: p.Val45Ala; replaces valine 45 with alanine.
Molecular consequence: missense variant. On other transcripts: non-coding transcript variant (1).
Genome position (GRCh38, 1-based): chr14:50,821,923, A>G on the plus strand (T>C on the coding strand, the complement: NIN is on the minus strand). VCF-style: chr14-50821923-A-G. GRCh37 (hg19) VCF-style: chr14-51288641-A-G.
Other names: c.134T>C, p.Val45Ala (NM_016350.5, NM_182944.3, NM_182946.2); short protein forms V45A.
Identifiers: ClinVar variation 2779227 (VCV002779227.3), dbSNP rs2503171952, ClinGen allele CA389684514.
Genomic context (GRCh38, chr14:50,821,923, plus strand): 5'-CCAGACCTTACCCTGCCCAAGAGGTTGTCCTGAAGTAATGTCTGCTGCAGCACTGGGGCC[A>G]CCTCCTCCAAGCTCAACATGTGGCAAAGGTCGGTGAGTTCCTCCTGCCCCAGGGACCCTG-3'
Protein context (NP_065972.4, residues 35-55): DLCHMLSLEE[Val45Ala]APVLQQTLLQ

ClinVar aggregate classification (germline): Uncertain significance (1 of 4 stars; one submission).

Submission:

Labcorp Genetics (formerly Invitae), Labcorp
Classification: Uncertain significance. Last evaluated: 2023-02-10. Review status: criteria provided, single submitter. Criteria: Invitae Variant Classification Sherloc (09022015). Collection method: clinical testing. Allele origin: germline.
Comment: This sequence change replaces valine, which is neutral and non-polar, with alanine, which is neutral and non-polar, at codon 45 of the NIN protein (p.Val45Ala). This variant is not present in population databases (gnomAD no frequency). This variant has not been reported in the literature in individuals affected with NIN-related conditions. Algorithms developed to predict the effect of missense changes on protein structure and function are either unavailable or do not agree on the potential impact of this missense change (SIFT: "Deleterious"; PolyPhen-2: "Possibly Damaging"; Align-GVGD: "Class C0"). In summary, the available evidence is currently insufficient to determine the role of this variant in disease. Therefore, it has been classified as a Variant of Uncertain Significance.